The following is an entry in ClinVar:

NM_003872.3(NRP2):c.856G>A (p.Gly286Ser)

Gene: NRP2 (neuropilin 2; plus strand). Cytogenetic location: 2q33.3.
Variant type: single nucleotide variant.
Coding change: c.856G>A on transcript NM_003872.3 (MANE Select); coding-DNA position 856, G replaced by A.
Protein change: p.Gly286Ser; replaces glycine 286 with serine.
Molecular consequence: missense variant.
Genome position (GRCh38, 1-based): chr2:205,725,948, G>A. VCF-style: chr2-205725948-G-A. GRCh37 (hg19) VCF-style: chr2-206590672-G-A.
Other names: c.856G>A, p.Gly286Ser (NM_018534.4, NM_201264.2, NM_201266.2 and 2 more transcripts); short protein forms G286S.
Identifiers: ClinVar variation 4996024 (VCV004996024.1).

ClinVar aggregate classification (germline): Uncertain significance (1 of 4 stars; one submission).

Conditions:
NRP2-related disorder. Also called: NRP2-related condition.

Submission:

PreventionGenetics, part of Exact Sciences
Classification: Uncertain significance for NRP2-related condition. Last evaluated: 2026-07-14. Review status: criteria provided, single submitter. Criteria: ACMG Guidelines, 2015. Collection method: clinical testing. Allele origin: germline.
Comment: The NRP2 c.856G>A variant is predicted to result in the amino acid substitution p.Gly286Ser. To our knowledge, this variant has not been reported in the literature or in a large population database (gnomAD), indicating this variant is rare. At this time, the clinical significance of this variant is uncertain due to the absence of conclusive functional and genetic evidence.